The following is an entry in ClinVar:

NM_017617.5(NOTCH1):c.4348G>A (p.Glu1450Lys)

Gene: NOTCH1 (notch receptor 1; minus strand). Cytogenetic location: 9q34.3.
Variant type: single nucleotide variant.
Coding change: c.4348G>A on transcript NM_017617.5 (MANE Select); coding-DNA position 4348, G replaced by A.
Protein change: p.Glu1450Lys; replaces glutamic acid 1450 with lysine.
Molecular consequence: missense variant.
Genome position (GRCh38, 1-based): chr9:136,505,548, C>T on the plus strand (G>A on the coding strand, the complement: NOTCH1 is on the minus strand). VCF-style: chr9-136505548-C-T. GRCh37 (hg19) VCF-style: chr9-139400000-C-T.
Other names: c.4348G>A, p.Glu1450Lys (LRG_1122t1); short protein forms E1450K.
Identifiers: ClinVar variation 575010 (VCV000575010.16), dbSNP rs147841035, ClinGen allele CA5340633.
Genomic context (GRCh38, chr9:136,505,548, plus strand): 5'-GGTTGTTGCACTGCAGGCTGCAGACCTTGTTGCCCGCGTCCTCCTGGCACTCGGGCAGCT[C>T]GCACGCCTCCTCGATCAGCGGCGGGGGGATGTCGCGCCCGGCCCCACCCCCGAAGCTGTA-3'
Protein context (NP_060087.3, residues 1440-1460): IPPPLIEEAC[Glu1450Lys]LPECQEDAGN

ClinVar aggregate classification (germline): Conflicting classifications of pathogenicity. Review status: criteria provided, conflicting classifications (1 of 4 stars). 6 submissions from 5 submitters: Uncertain significance (5); Benign (1). Last evaluated 2025-12-14.

Conditions:
Familial thoracic aortic aneurysm and aortic dissection (TAAD). Also called: Thoracic aortic aneurysms and dissections. Identifiers: Orphanet 91387, MedGen C4707243, MONDO:0019625.
Aortic valve disease 1 (AOVD1). Identifiers: MedGen C3887892, MONDO:0024523, OMIM 109730.
Adams-Oliver syndrome 5 (AOS5). Identifiers: Orphanet 974, MedGen C4014970, MONDO:0014459, OMIM 616028.

Allele frequency attached by ClinVar (database versions not stated): gnomAD exomes 0.00002 and 0.00003; TOPMed 0.00002; ExAC 0.00003; 1000 Genomes Project 30x 0.00016; 1000 Genomes Project 0.00020.
gnomAD v4.1: 46 of 1,611,586 alleles (0.0029%); highest among the groups gnomAD compares: Middle Eastern, 0.017%; no homozygotes.

Submissions (6):

Labcorp Genetics (formerly Invitae), Labcorp
Classification: Benign for Adams-Oliver syndrome 5. Last evaluated: 2025-12-14. Review status: criteria provided, single submitter. Criteria: Invitae Variant Classification Sherloc (09022015). Collection method: clinical testing. Allele origin: germline.

Ambry Genetics
Classification: Uncertain significance for Familial thoracic aortic aneurysm and aortic dissection. Last evaluated: 2024-10-07. Review status: criteria provided, single submitter. Criteria: Ambry Variant Classification Scheme 2023. Collection method: clinical testing. Allele origin: germline.
Comment: The p.E1450K variant (also known as c.4348G>A), located in coding exon 25 of the NOTCH1 gene, results from a G to A substitution at nucleotide position 4348. The glutamic acid at codon 1450 is replaced by lysine, an amino acid with similar properties. This amino acid position is conserved. In addition, this alteration is predicted to be tolerated by in silico analysis. Since supporting evidence is limited at this time, the clinical significance of this alteration remains unclear.

Women's Health and Genetics/Laboratory Corporation of America, LabCorp
Classification: Uncertain significance. Last evaluated: 2023-10-19. Review status: criteria provided, single submitter. Criteria: LabCorp Variant Classification Summary - May 2015. Collection method: clinical testing. Allele origin: germline.
Comment: Variant summary: NOTCH1 c.4348G>A (p.Glu1450Lys) results in a conservative amino acid change located in the Notch domain (IPR000800) of the encoded protein sequence. Three of four in-silico tools predict a damaging effect of the variant on protein function. The variant allele was found at a frequency of 2.5e-05 in 244740 control chromosomes (gnomAD). The available data on variant occurrences in the general population are insufficient to allow any conclusion about variant significance. To our knowledge, no occurrence of c.4348G>A in individuals affected with Adams-Oliver Syndrome 5 and no experimental evidence demonstrating its impact on protein function have been reported. Four submitters have cited clinical-significance assessments for this variant to ClinVar after 2014 and classified this variant as uncertain significance (n=3) and benign (n=1). Based on the evidence outlined above, the variant was classified as uncertain significance.

Genome-Nilou Lab
Classification: Uncertain significance for Adams-Oliver syndrome 5. Last evaluated: 2022-03-15. Review status: criteria provided, single submitter. Criteria: ACMG Guidelines, 2015. Collection method: clinical testing. Allele origin: germline. Affected: no.

Genome-Nilou Lab
Classification: Uncertain significance for Aortic valve disease 1. Last evaluated: 2022-03-15. Review status: criteria provided, single submitter. Criteria: ACMG Guidelines, 2015. Collection method: clinical testing. Allele origin: germline. Affected: no.

GeneDx
Classification: Uncertain significance. Last evaluated: 2018-10-25. Review status: criteria provided, single submitter. Criteria: GeneDx Variant Classification Process June 2021. Collection method: clinical testing. Allele origin: germline. Affected: yes.
Comment: In silico analysis, which includes protein predictors and evolutionary conservation, supports that this variant does not alter protein structure/function; Reported in ClinVar but additional evidence is not available (ClinVar Variant ID 575010; Landrum et al., 2016); This variant is associated with the following publications: (PMID: 28492532)